The following is an entry in ClinVar:

ClinVar aggregate classification (germline): Uncertain significance (1 of 4 stars; one submission).

Conditions:
Hereditary cancer-predisposing syndrome. Also called: Neoplastic Syndromes, Hereditary; Tumor predisposition; Hereditary Cancer Syndrome; Hereditary neoplastic syndrome. Identifiers: Orphanet 140162, MedGen C0027672, MeSH D009386, MONDO:0015356.

Submission:

Ambry Genetics
Classification: Uncertain significance for Hereditary cancer-predisposing syndrome. Last evaluated: 2024-06-29. Review status: criteria provided, single submitter. Criteria: Ambry Variant Classification Scheme 2023. Collection method: clinical testing. Allele origin: germline.
Comment: The p.T247I variant (also known as c.740C>T), located in coding exon 7 of the EPCAM gene, results from a C to T substitution at nucleotide position 740. The threonine at codon 247 is replaced by isoleucine, an amino acid with similar properties. This amino acid position is conserved. In addition, the in silico prediction for this alteration is inconclusive. Since supporting evidence is limited at this time, the clinical significance of this alteration remains unclear.

NM_002354.3(EPCAM):c.740C>T (p.Thr247Ile)

Gene: EPCAM (epithelial cell adhesion molecule; plus strand). Cytogenetic location: 2p21.
Variant type: single nucleotide variant.
Coding change: c.740C>T on transcript NM_002354.3 (MANE Select); coding-DNA position 740, C replaced by T.
Protein change: p.Thr247Ile; replaces threonine 247 with isoleucine.
Molecular consequence: missense variant.
Genome position (GRCh38, 1-based): chr2:47,379,851, C>T. VCF-style: chr2-47379851-C-T. GRCh37 (hg19) VCF-style: chr2-47606990-C-T.
Other names: short protein forms T247I.
Identifiers: ClinVar variation 1758779 (VCV001758779.3), dbSNP rs2103759031, ClinGen allele CA346724558.